The following is an entry in ClinVar:

ClinVar aggregate classification (germline): Uncertain significance (1 of 4 stars; one submission).

Conditions:
Episodic ataxia type 2 (EA2). Also called: ACETAZOLAMIDE-RESPONSIVE HEREDITARY PAROXYSMAL CEREBELLAR ATAXIA; ATAXIA, EPISODIC, WITH NYSTAGMUS; ATAXIA, FAMILIAL PAROXYSMAL; CEREBELLAR ATAXIA, PAROXYSMAL, ACETAZOLAMIDE-RESPONSIVE; CEREBELLOPATHY, HEREDITARY PAROXYSMAL; EPISODIC ATAXIA, NYSTAGMUS-ASSOCIATED. Identifiers: Orphanet 97, MedGen C1720416, MONDO:0007163, OMIM 108500.
Developmental and epileptic encephalopathy, 42 (DEE42A). Also called: Epileptic encephalopathy, early infantile, 42; DEVELOPMENTAL AND EPILEPTIC ENCEPHALOPATHY 42A; EPILEPTIC ENCEPHALOPATHY, EARLY INFANTILE, 42A. Identifiers: MedGen C4310716, MONDO:0014917, OMIM 617106.

gnomAD v4.1: 4 of 1,609,928 alleles (0.00025%); highest among the groups gnomAD compares: Non-Finnish European, 0.00034%; no homozygotes.

Submission:

Labcorp Genetics (formerly Invitae), Labcorp
Classification: Uncertain significance for Developmental and epileptic encephalopathy, 42; Episodic ataxia type 2. Last evaluated: 2025-09-02. Review status: criteria provided, single submitter. Criteria: Invitae Variant Classification Sherloc (09022015). Collection method: clinical testing. Allele origin: germline.
Comment: This sequence change falls in intron 42 of the CACNA1A gene. It does not directly change the encoded amino acid sequence of the CACNA1A protein. This variant is present in population databases (rs763959303, gnomAD 0.002%). This variant has not been reported in the literature in individuals affected with CACNA1A-related conditions. Algorithms developed to predict the effect of sequence changes on RNA splicing suggest that this variant may create or strengthen a splice site. In summary, the available evidence is currently insufficient to determine the role of this variant in disease. Therefore, it has been classified as a Variant of Uncertain Significance.

NM_001127222.2(CACNA1A):c.6190-17T>C

Gene: CACNA1A (calcium voltage-gated channel subunit alpha1 A; minus strand). Cytogenetic location: 19p13.13.
Variant type: single nucleotide variant.
Coding change: c.6190-17T>C on transcript NM_001127222.2 (MANE Select); 17 bases into the intron before coding-DNA position 6190, T replaced by C.
Molecular consequence: intron variant.
Genome position (GRCh38, 1-based): chr19:13,212,233, A>G on the plus strand (T>C on the coding strand, the complement: CACNA1A is on the minus strand). VCF-style: chr19-13212233-A-G. GRCh37 (hg19) VCF-style: chr19-13323047-A-G.
Other names: c.6193-17T>C (NM_001127221.2); c.6199-17T>C (NM_001174080.2); c.6208-17T>C (NM_000068.4, NM_023035.3).
Identifiers: ClinVar variation 4788749 (VCV004788749.1).